The following is an entry in ClinVar:

ClinVar aggregate classification (germline): Uncertain significance (1 of 4 stars; one submission).

Submission:

Ambry Genetics
Classification: Uncertain significance. Last evaluated: 2022-11-07. Review status: criteria provided, single submitter. Criteria: Ambry Variant Classification Scheme 2023. Collection method: clinical testing. Allele origin: germline.
Comment: The p.A398T variant (also known as c.1192G>A), located in coding exon 13 of the NPAT gene, results from a G to A substitution at nucleotide position 1192. The alanine at codon 398 is replaced by threonine, an amino acid with similar properties. This amino acid position is conserved. In addition, this alteration is predicted to be tolerated by in silico analysis. Since supporting evidence is limited at this time, the clinical significance of this alteration remains unclear.

NM_002519.3(NPAT):c.1192G>A (p.Ala398Thr)

Gene: NPAT (nuclear protein, coactivator of histone transcription; minus strand). Cytogenetic location: 11q22.3.
Variant type: single nucleotide variant.
Coding change: c.1192G>A on transcript NM_002519.3 (MANE Select); coding-DNA position 1192, G replaced by A.
Protein change: p.Ala398Thr; replaces alanine 398 with threonine.
Molecular consequence: missense variant.
Genome position (GRCh38, 1-based): chr11:108,173,792, C>T on the plus strand (G>A on the coding strand, the complement: NPAT is on the minus strand). VCF-style: chr11-108173792-C-T. GRCh37 (hg19) VCF-style: chr11-108044519-C-T.
Other names: c.1192G>A, p.Ala398Thr (NM_001321307.1); short protein forms A398T.
Identifiers: ClinVar variation 2453723 (VCV002453723.2), dbSNP rs2134838517, ClinGen allele CA382516070.
Genomic context (GRCh38, chr11:108,173,792, plus strand): 5'-GGGAAAAATTTTCCTGGTCTTCTTGTCTAAGCACATCATGGTTGTTGCTATTCTTCAAAG[C>T]ATTTAATGGGTCATCATTCTGATAGGATGTACAAAAAGCGGGCTGACCAGACTGACCATC-3'
Protein context (NP_002510.2, residues 388-408): TSYQNDDPLN[Ala398Thr]LKNSNNHDVL